The following is an entry in ClinVar:

ClinVar aggregate classification (germline): Uncertain significance (1 of 4 stars; one submission).

Conditions:
Long QT syndrome (LQTS). Identifiers: MedGen C0023976, MeSH D008133, MONDO:0002442. Disease mechanism: loss of function. Inheritance: Various modes of inheritance.

Submission:

Labcorp Genetics (formerly Invitae), Labcorp
Classification: Uncertain significance for Long QT syndrome. Last evaluated: 2023-11-27. Review status: criteria provided, single submitter. Criteria: Invitae Variant Classification Sherloc (09022015). Collection method: clinical testing. Allele origin: germline.
Comment: This sequence change replaces threonine, which is neutral and polar, with isoleucine, which is neutral and non-polar, at codon 3789 of the AKAP9 protein (p.Thr3789Ile). This variant is not present in population databases (gnomAD no frequency). This variant has not been reported in the literature in individuals affected with AKAP9-related conditions. ClinVar contains an entry for this variant (Variation ID: 1442693). An algorithm developed to predict the effect of missense changes on protein structure and function (PolyPhen-2) suggests that this variant is likely to be disruptive. In summary, the available evidence is currently insufficient to determine the role of this variant in disease. Therefore, it has been classified as a Variant of Uncertain Significance.

NM_005751.5(AKAP9):c.11366C>T (p.Thr3789Ile)

Gene: AKAP9 (A-kinase anchoring protein 9; plus strand). Cytogenetic location: 7q21.2.
Variant type: single nucleotide variant.
Coding change: c.11366C>T on transcript NM_005751.5 (MANE Select); coding-DNA position 11366, C replaced by T.
Protein change: p.Thr3789Ile; replaces threonine 3789 with isoleucine.
Molecular consequence: missense variant.
Genome position (GRCh38, 1-based): chr7:92,105,713, C>T. VCF-style: chr7-92105713-C-T. GRCh37 (hg19) VCF-style: chr7-91735027-C-T.
Other names: c.6011C>T, p.Thr2004Ile (NM_001379277.1); c.11342C>T, p.Thr3781Ile (NM_147185.3); short protein forms T3781I, T2004I, T3789I.
Identifiers: ClinVar variation 1442693 (VCV001442693.6), dbSNP rs2130921556, ClinGen allele CA368163575.